The following is an entry in ClinVar:

NM_001110556.2(FLNA):c.1383C>T (p.Ala461=)

Gene: FLNA (filamin A; minus strand). Cytogenetic location: Xq28.
Variant type: single nucleotide variant.
Coding change: c.1383C>T on transcript NM_001110556.2 (MANE Select); coding-DNA position 1383, C replaced by T.
Protein change: p.Ala461=; no amino-acid change (alanine 461 retained).
Molecular consequence: synonymous variant.
Genome position (GRCh38, 1-based): chrX:154,366,070, G>A on the plus strand (C>T on the coding strand, the complement: FLNA is on the minus strand). VCF-style: chrX-154366070-G-A. GRCh37 (hg19) VCF-style: chrX-153594438-G-A.
Other names: c.1383C>T (NM_001110556.1); c.1383C>T, p.Ala461= (NM_001456.4).
Identifiers: ClinVar variation 700929 (VCV000700929.13), dbSNP rs371223471, ClinGen allele CA10561196.
Genomic context (GRCh38, chrX:154,366,070, plus strand): 5'-AGGGCCGGGCCTACCTTGGCCAACAGTGACAGTGTAGGGGCTGCGAGGGATGGGCACGCC[G>A]GCAAACGTGACGTGCACGGTGTGGACGCCCTCCATGGTGGGCTGGTAGCTGCAGCGGTAT-3'
Protein context (NP_001104026.1, residues 451-471): EGVHTVHVTF[Ala461=]GVPIPRSPYT

ClinVar aggregate classification (germline): Likely benign. Review status: criteria provided, multiple submitters, no conflicts (2 of 4 stars). 5 submissions from 5 submitters: Likely benign (4). 1 of the submissions does not count toward it. Last evaluated 2026-06-01.

Conditions:
Familial thoracic aortic aneurysm and aortic dissection (TAAD). Also called: Thoracic aortic aneurysms and dissections. Identifiers: Orphanet 91387, MedGen C4707243, MONDO:0019625.
Oto-palato-digital syndrome, type II (OPD2). Also called: FACIOPALATOOSSEOUS SYNDROME; OPD II SYNDROME; Otopalatodigital Syndrome, Type II; Otopalatodigital Syndrome Type 2 (FLNA-OPD2). Identifiers: Orphanet 669, Orphanet 90652, MedGen C1844696, MONDO:0010571, OMIM 304120.
Frontometaphyseal dysplasia (FMD1). Identifiers: Orphanet 1826, MedGen C0265293, MONDO:0015942.
Heterotopia, periventricular, X-linked dominant (PVNH1). Also called: PERIVENTRICULAR NODULAR HETEROTOPIA 1; PERIVENTRICULAR NODULAR HETEROTOPIA 4; HETEROTOPIA, PERIVENTRICULAR, 1; X-linked periventricular heterotopia. Identifiers: Orphanet 2149, Orphanet 82004, MedGen C1848213, MONDO:0010233, OMIM 300049.
Melnick-Needles syndrome (MNS). Also called: MELNICK-NEEDLES OSTEODYSPLASTY; OSTEODYSPLASTY OF MELNICK AND NEEDLES; Melnick-Needles Syndrome (FLNA-MNS). Identifiers: Orphanet 2484, MedGen C0025237, MONDO:0010650, OMIM 309350.
FLNA-related disorder.

Allele frequency attached by ClinVar (database versions not stated): ExAC 0.00002; gnomAD 0.00002 and 0.00004; gnomAD exomes 0.00002 and 0.00004; TOPMed 0.00005; ESP Exome Variant Server 0.00019.
gnomAD v4.1: 44 of 1,208,245 alleles (0.0036%); highest among the groups gnomAD compares: African/African-American, 0.007%; no homozygotes.

Submissions (5):

Women's Health and Genetics/Laboratory Corporation of America, LabCorp
Classification: Likely benign. Last evaluated: 2026-06-01. Review status: criteria provided, single submitter. Criteria: LabCorp Variant Classification Summary - May 2015. Collection method: clinical testing. Allele origin: germline.

Labcorp Genetics (formerly Invitae), Labcorp
Classification: Likely benign for Oto-palato-digital syndrome, type II; Heterotopia, periventricular, X-linked dominant; Frontometaphyseal dysplasia; Melnick-Needles syndrome. Last evaluated: 2026-01-01. Review status: criteria provided, single submitter. Criteria: Invitae Variant Classification Sherloc (09022015). Collection method: clinical testing. Allele origin: germline.

Blueprint Genetics
Classification: Likely benign. Last evaluated: 2024-06-27. Review status: criteria provided, single submitter. Criteria: ACMG Guidelines, 2015. Collection method: clinical testing. Allele origin: germline.

Ambry Genetics
Classification: Likely benign for Familial thoracic aortic aneurysm and aortic dissection. Last evaluated: 2019-02-23. Review status: criteria provided, single submitter. Criteria: Ambry Variant Classification Scheme 2023. Collection method: clinical testing. Allele origin: germline.

PreventionGenetics, part of Exact Sciences
Classification: Likely benign for FLNA-related condition. Last evaluated: 2024-05-22. Review status: no assertion criteria provided. Collection method: clinical testing. Allele origin: germline. Not counted in ClinVar's aggregate classification.
Comment: This variant is classified as likely benign based on ACMG/AMP sequence variant interpretation guidelines (Richards et al. 2015 PMID: 25741868, with internal and published modifications).